The following is an entry in ClinVar:

ClinVar aggregate classification (germline): Uncertain significance. Review status: criteria provided, multiple submitters, no conflicts (2 of 4 stars). 3 submissions from 3 submitters: Uncertain significance (3). Last evaluated 2025-02-12.

Conditions:
Upshaw-Schulman syndrome (TTP). Also called: THROMBOTIC THROMBOCYTOPENIC PURPURA, HEREDITARY; Congenital thrombotic thrombocytopenic purpura. Identifiers: Orphanet 93583, MedGen C1268935, MONDO:0010122, OMIM 274150.
Inborn genetic diseases. Identifiers: MedGen C0950123, MeSH D030342.

Submissions (3):

Mayo Clinic Laboratories, Mayo Clinic
Classification: Uncertain significance. Last evaluated: 2025-02-12. Review status: criteria provided, single submitter. Criteria: ACMG Guidelines, 2015. Collection method: clinical testing. Allele origin: germline. Observed: 1 variant allele.
Comment: BP4, PM4

Fulgent Genetics
Classification: Uncertain significance for Upshaw-Schulman syndrome. Last evaluated: 2024-03-26. Review status: criteria provided, single submitter. Criteria: ACMG Guidelines, 2015. Collection method: clinical testing. Allele origin: germline.

Ambry Genetics
Classification: Uncertain significance for Inborn genetic diseases. Last evaluated: 2024-03-01. Review status: criteria provided, single submitter. Criteria: Ambry Variant Classification Scheme 2023. Collection method: clinical testing. Allele origin: germline.
Comment: The c.215_220delAGAGGC (p.Q72_R73del) alteration is located in exon 3 (coding exon 3) of the ADAMTS13 gene. This alteration consists of an in-frame deletion of 6 nucleotides between nucleotide positions c.215 and c.220, resulting in the deletion of 2 residues. Based on insufficient or conflicting evidence, the clinical significance of this alteration remains unclear.

NM_139027.6(ADAMTS13):c.197AGAGGC[3] (p.66QR[3])

Gene: ADAMTS13 (ADAM metallopeptidase with thrombospondin type 1 motif 13; plus strand). Cytogenetic location: 9q34.2.
Variant type: Microsatellite.
Coding change: c.197AGAGGC[3] on transcript NM_139027.6 (MANE Select); three copies in a row of the 6-base unit AGAGGC starting at c.197; the reference has four copies in a row; one copy, 6 bases deleted.
Protein change: p.66QR[3].
Molecular consequence: inframe deletion. On other transcripts: inframe indel (1), non-coding transcript variant (1).
Genome position (GRCh38, 1-based): chr9:133,424,363-133,424,368, AGAGGC deleted; deleting any 6 consecutive bases within chr9:133,424,344-133,424,368 gives the same sequence; the position shown is the placement nearest the transcript's 3' end. VCF-style (leftmost placement, unchanged base first): chr9-133424343-CCAGAGG-C. GRCh37 (hg19) VCF-style: chr9-136289463-CCAGAGG-C.
Other names: p.Gln72_Arg73del; c.197_202AGAGGC[3], p.Gln72_Arg73del (NM_139025.4); c.197AGAGGC[3], p.66QR[3] (NM_139025.5, NM_139026.6); c.215_220del (NM_139025.4).
Identifiers: ClinVar variation 3147041 (VCV003147041.3), dbSNP rs781853881, ClinGen allele CA200880145.